The following is an entry in ClinVar:

NM_006767.4(LZTR1):c.509+3G>C

Gene: LZTR1 (leucine zipper like post translational regulator 1; plus strand). Cytogenetic location: 22q11.21.
Variant type: single nucleotide variant.
Coding change: c.509+3G>C on transcript NM_006767.4 (MANE Select); 3 bases into the intron after coding-DNA position 509, G replaced by C.
Molecular consequence: intron variant.
Genome position (GRCh38, 1-based): chr22:20,988,121, G>C. VCF-style: chr22-20988121-G-C. GRCh37 (hg19) VCF-style: chr22-21342410-G-C.
Identifiers: ClinVar variation 3238300 (VCV003238300.1), dbSNP rs1924464151.

ClinVar aggregate classification (germline): Likely pathogenic (1 of 4 stars; one submission).

Conditions:
Hereditary cancer-predisposing syndrome. Also called: Neoplastic Syndromes, Hereditary; Tumor predisposition; Hereditary neoplastic syndrome; Hereditary Cancer Syndrome. Identifiers: Orphanet 140162, MedGen C0027672, MeSH D009386, MONDO:0015356.
Cardiovascular phenotype. Identifiers: MedGen CN230736.

Submission:

Ambry Genetics
Classification: Likely pathogenic for Cardiovascular phenotype; Hereditary cancer-predisposing syndrome. Last evaluated: 2023-08-17. Review status: criteria provided, single submitter. Criteria: Ambry Variant Classification Scheme 2023. Collection method: clinical testing. Allele origin: germline.
Comment: The c.509+3G>C intronic variant results from a G to C substitution 3 nucleotides after coding exon 5 in the LZTR1 gene. This nucleotide position is not well conserved in available vertebrate species. In silico splice site analysis predicts that this alteration may weaken the native splice donor site, and RNA studies have demonstrated that this alteration results in abnormal splicing in the set of samples tested (Ambry internal data). Loss-of-function variants in LZTR1 are related to an increased risk for schwannomas and autosomal recessive Noonan syndrome; however, such associations with autosomal dominant Noonan syndrome have not been observed (Piotrowski A et al. Nat Genet. 2014 Feb;46:182-7; Yamamoto GL et al. J Med Genet. 2015 Jun;52:413-21; Johnston JJ et al. Genet Med. 2018 10;20:1175-1185). Based on the supporting evidence, this variant is likely pathogenic for an increased risk of LZTR1-related schwannomatosis (SWN) and would be expected to cause autosomal recessive Noonan syndrome when present along with a second pathogenic or likely pathogenic variant on the other allele; however, the association of this alteration with autosomal dominant Noonan syndrome is unlikely.